The following continues an entry in ClinVar:

NM_007194.4(CHEK2):c.1561C>T (p.Arg521Trp)

Gene: CHEK2. ClinVar aggregate classification (germline): Uncertain significance. Uncertain significance (15).

Submissions 8 to 17 of 17:

GeneDx
Classification: Uncertain significance. Last evaluated: 2024-12-16. Review status: criteria provided, single submitter. Criteria: GeneDx Variant Classification Process June 2021. Collection method: clinical testing. Allele origin: germline. Affected: yes.
Comment: Published functional studies are inconclusive: DNA damage response comparable to wild type in a yeast-based assay, intermediate to impaired kinase activity, and aberrant protein localization (PMID: 30851065, 34903604, 37449874); Not observed at significant frequency in large population cohorts (gnomAD); In silico analysis supports that this missense variant has a deleterious effect on protein structure/function; Also known as c.1690C>T, p.(Arg564Trp); Observed in individuals with breast and/or ovarian cancer, prostate cancer, or biliary tract cancers, but also in healthy controls (PMID: 30287823, 28580595, 27783279, 34991090, 34326862, 36243179, 35534704, 37842866); This variant is associated with the following publications: (PMID: 22090377, 27783279, 28580595, 30287823, 34426522, 34903604, 34991090, 32906215, 37449874, 36243179, 34326862, 30851065, 22419737, 33471991, 39146382, 35534704, 37842866, 39594831)

German Consortium for Hereditary Breast and Ovarian Cancer, University Hospital Cologne
Classification: Uncertain significance for Hereditary breast ovarian cancer syndrome. Last evaluated: 2024-12-10. Review status: criteria provided, single submitter. Criteria: ACMG SVI. Collection method: curation. Allele origin: germline.
Comment: This classification follows the ACMG SVI adaptation classification scheme; We chose these criteria: PS3 (supporting pathogenic): Conflicting: Stolarova et al. (2023, PMID: 37449874) damaging: variant does not localize into the nucleus Delimitsou et al. (2019, PMID: 30851065): benign in functional yeast assay. Boonen et al. (2022, PMID: 34903604): Intermediate to impaired kinase activity in vitro, PS4 (supporting pathogenic): Dorling: OR 2,48; Momozawa 2018: OR 3,0, BP4 (supporting benign): REVEL = 0.205 (thus (0.183, 0.290], as per Pejaver et al. (2022, PMID: 36413997))

Baylor Genetics
Classification: Uncertain significance for Familial cancer of breast. Last evaluated: 2024-02-28. Review status: criteria provided, single submitter. Criteria: ACMG Guidelines, 2015. Collection method: clinical testing. Allele origin: unknown.

Color Diagnostics, LLC DBA Color Health
Classification: Uncertain significance for Hereditary cancer-predisposing syndrome. Last evaluated: 2023-11-08. Review status: criteria provided, single submitter. Criteria: ACMG Guidelines, 2015. Collection method: clinical testing. Allele origin: germline.
Comment: This missense variant replaces arginine with tryptophan at codon 521 of the CHEK2 protein. Computational prediction suggests that this variant may not impact protein structure and function (internally defined REVEL score threshold <= 0.5, PMID: 27666373). Functional studies have shown this variant to be neutral in yeast-based DNA damage repair assay (PMID: 30851065) but to have an intermediate level of function in a mouse embryonic stem cell-based Kap1 phosphorylation assay (PMID: 34903604). This variant has been reported in individuals affected with breast, pancreatic, and colorectal cancer, but also in control individuals (PMID: 27783279, 28580595, 30287823, 32980694, 33309985, 33471991, 34991090, 37449874). This variant has been identified in 14/264616 chromosomes in the general population by the Genome Aggregation Database (gnomAD). The available evidence is insufficient to determine the role of this variant in disease conclusively. Therefore, this variant is classified as a Variant of Uncertain Significance.

CHEO Genetics Diagnostic Laboratory, Children's Hospital of Eastern Ontario
Classification: Uncertain significance for Breast and/or ovarian cancer. Last evaluated: 2023-04-26. Review status: criteria provided, single submitter. Criteria: ACMG Guidelines, 2015. Collection method: clinical testing. Allele origin: germline.

Myriad Genetics, Inc.
Classification: Uncertain significance for Familial cancer of breast. Last evaluated: 2023-03-09. Review status: criteria provided, single submitter. Criteria: Myriad Autosomal Dominant, Autosomal Recessive and X-Linked Classification Criteria (2023). Collection method: clinical testing. Allele origin: unknown.
Comment: This variant is classified as a variant of uncertain significance as there is insufficient evidence to determine its impact on protein function and/or cancer risk.

MGZ Medical Genetics Center
Classification: Uncertain significance for Familial cancer of breast. Last evaluated: 2022-09-06. Review status: criteria provided, single submitter. Criteria: ACMG Guidelines, 2015. Collection method: clinical testing. Allele origin: germline. Affected: yes. Observed: 1 variant allele.
Comment: ACMG criteria applied: PS4_SUP, PM2_SUP, BP4

Genetic Services Laboratory, University of Chicago
Classification: Uncertain significance. Last evaluated: 2019-11-13. Review status: criteria provided, single submitter. Criteria: ACMG Guidelines, 2015. Collection method: clinical testing. Allele origin: germline. Affected: no.

Counsyl
Classification: Uncertain significance for Familial cancer of breast. Last evaluated: 2016-03-31. Review status: no assertion criteria provided. Collection method: clinical testing. Allele origin: unknown. Not counted in ClinVar's aggregate classification.

Department of Pathology and Laboratory Medicine, Sinai Health System
Classification: Uncertain significance for Malignant tumor of breast. Review status: no assertion criteria provided. Collection method: clinical testing. Allele origin: unknown. Affected: yes. Observed: 1 variant allele. Study: The Canadian Open Genetics Repository (COGR). Not counted in ClinVar's aggregate classification.
Comment: The CHEK2 p.Arg521Trp variant was identified in 5 of 11648 proband chromosomes (frequency: 0.0004) from German and Korean individuals or families with breast cancer (including BRCA1/2-negative cases; Hauke 2018, Kim 2017). The variant was also identified in dbSNP (ID: rs533475838) as â€šÃ„ÃºWith Likely benign, Uncertain significance alleleâ€šÃ„Ã¹ and ClinVar (classified uncertain significance by Ambry Genetics, GeneDx, Invitae, Counsyl, Color and Quest Diagnostics Nichols Institute San Juan Capistrano). The variant was identified in control databases in 14 of 259842 chromosomes at a frequency of 0.00005 (Genome Aggregation Database Feb 27, 2017). The variant was observed in the following populations: African in 1 of 22546 chromosomes (freq: 0.00004), European in 5 of 121862 chromosomes (freq: 0.00004), and East Asian in 8 of 18540 chromosomes (freq: 0.0004), while it was not observed in the Other, Latino, Ashkenazi Jewish, Finnish, or South Asian populations. The p.Arg521 residue is conserved in mammals but not in more distantly related organisms and four out of five computational analyses (PolyPhen-2, SIFT, AlignGVGD, BLOSUM, MutationTaster) suggest that the Trp variant may impact the protein; however, this information is not predictive enough to assume pathogenicity. The variant occurs outside of the splicing consensus sequence and in silico or computational prediction software programs (SpliceSiteFinder, MaxEntScan, NNSPLICE, GeneSplicer) do not predict a difference in splicing. One computational study suggested that the variant could have resulted from an interlocus gene conversion event (Cassola 2012). In summary, based on the above information, the clinical significance of this variant cannot be determined with certainty at this time. This variant is classified as a variant of uncertain significance.

Literature cited by the submitters: PubMed 27783279 (cited by 4 submitters); PubMed 28580595 (cited by 4 submitters); PubMed 30287823 (cited by 4 submitters); PubMed 32068069 (cited by Labcorp Genetics (formerly Invitae), Labcorp and Women's Health and Genetics/Laboratory Corporation of America, LabCorp); PubMed 34903604 (cited by 6 submitters); PubMed 34991090 (cited by 3 submitters); PubMed 30851065 (cited by 6 submitters); PubMed 39146382 (cited by Labcorp Genetics (formerly Invitae), Labcorp); PubMed 31358837 (cited by Women's Health and Genetics/Laboratory Corporation of America, LabCorp); PubMed 32973888 (cited by Women's Health and Genetics/Laboratory Corporation of America, LabCorp and Quest Diagnostics Nichols Institute San Juan Capistrano); PubMed 37449874 (cited by 4 submitters); PubMed 32906215 (cited by Quest Diagnostics Nichols Institute San Juan Capistrano); PubMed 22090377 (cited by Quest Diagnostics Nichols Institute San Juan Capistrano and Counsyl); PubMed 35534704 (cited by Quest Diagnostics Nichols Institute San Juan Capistrano); PubMed 33471991 (cited by Quest Diagnostics Nichols Institute San Juan Capistrano and Color Diagnostics, LLC DBA Color Health); PubMed 34426522 (cited by Quest Diagnostics Nichols Institute San Juan Capistrano); PubMed 37842866 (cited by Quest Diagnostics Nichols Institute San Juan Capistrano); PubMed 32980694 (cited by Color Diagnostics, LLC DBA Color Health); PubMed 33309985 (cited by Color Diagnostics, LLC DBA Color Health).